The following is an entry in ClinVar:

NM_006488.3(KHK):c.879C>A (p.Gly293=)

Genes: CGREF1 (cell growth regulator with EF-hand domain 1; minus strand), KHK (ketohexokinase; plus strand). Cytogenetic location: 2p23.3.
Variant type: single nucleotide variant.
Coding change: c.879C>A on transcript NM_006488.3 (MANE Select); coding-DNA position 879, C replaced by A.
Protein change: p.Gly293=; no amino-acid change (glycine 293 retained).
Molecular consequence: synonymous variant. On other transcripts: 3 prime UTR variant (2).
Genome position (GRCh38, 1-based): chr2:27,099,732, C>A. VCF-style: chr2-27099732-C-A. GRCh37 (hg19) VCF-style: chr2-27322600-C-A.
Other names: c.*52G>T (NM_001166240.2); c.*129G>T (NM_001301324.2); c.879C>A, p.Gly293= (NM_000221.3).
Identifiers: ClinVar variation 711815 (VCV000711815.11), dbSNP rs116026105, ClinGen allele CA1569479.

ClinVar aggregate classification (germline): Benign/Likely benign. Review status: criteria provided, multiple submitters, no conflicts (2 of 4 stars). 4 submissions from 4 submitters: Benign (3); Likely benign (1). Last evaluated 2024-10-15.

Conditions:
Essential fructosuria. Also called: KETOHEXOKINASE DEFICIENCY; HEPATIC FRUCTOKINASE DEFICIENCY. Identifiers: Orphanet 2056, MedGen C0268160, MONDO:0009252, OMIM 229800.

Allele frequency attached by ClinVar (database versions not stated): 1000 Genomes Project 0.00639; 1000 Genomes Project 30x 0.00671; TOPMed 0.00755; ESP Exome Variant Server 0.00830; gnomAD 0.00740.
gnomAD v4.1: 2,108 of 1,614,114 alleles (0.13%); highest among the groups gnomAD compares: African/African-American, 2.4%; 24 homozygotes.

Submissions (4):

Blueprint Genetics
Classification: Likely benign. Last evaluated: 2024-10-15. Review status: criteria provided, single submitter. Criteria: ACMG Guidelines, 2015. Collection method: clinical testing. Allele origin: germline.

Labcorp Genetics (formerly Invitae), Labcorp
Classification: Benign. Last evaluated: 2018-07-15. Review status: criteria provided, single submitter. Criteria: Invitae Variant Classification Sherloc (09022015). Collection method: clinical testing. Allele origin: germline.

Illumina Laboratory Services, Illumina
Classification: Benign for Essential fructosuria. Last evaluated: 2018-01-13. Review status: criteria provided, single submitter. Criteria: ICSL Variant Classification Criteria 13 December 2019. Collection method: clinical testing. Allele origin: germline.
Comment: This variant was observed in the ICSL laboratory as part of a predisposition screen in an ostensibly healthy population. It had not been previously curated by ICSL or reported in the Human Gene Mutation Database (HGMD: prior to June 1st, 2018), and was therefore a candidate for classification through an automated scoring system. Utilizing variant allele frequency, disease prevalence and penetrance estimates, and inheritance mode, an automated score was calculated to assess if this variant is too frequent to cause the disease. Based on the score and internal cut-off values, a variant classified as benign is not then subjected to further curation. The score for this variant resulted in a classification of benign for this disease.

Breakthrough Genomics
Classification: Benign. Review status: criteria provided, single submitter. Criteria: ACMG Guidelines, 2015. Collection method: not provided. Allele origin: germline. Inheritance: Autosomal recessive inheritance. Affected: yes.